The following is an entry in ClinVar:

NM_001184.4(ATR):c.862T>G (p.Leu288Val)

Gene: ATR (ATR checkpoint kinase; minus strand). Cytogenetic location: 3q23.
Variant type: single nucleotide variant.
Coding change: c.862T>G on transcript NM_001184.4 (MANE Select); coding-DNA position 862, T replaced by G.
Protein change: p.Leu288Val; replaces leucine 288 with valine.
Molecular consequence: missense variant.
Genome position (GRCh38, 1-based): chr3:142,562,540, A>C on the plus strand (T>G on the coding strand, the complement: ATR is on the minus strand). VCF-style: chr3-142562540-A-C. GRCh37 (hg19) VCF-style: chr3-142281382-A-C.
Other names: c.862T>G, p.Leu288Val (NM_001354579.2); short protein forms L288V.
Identifiers: ClinVar variation 3221307 (VCV003221307.1), dbSNP rs748849865, ClinGen allele CA354825170.

ClinVar aggregate classification (germline): Uncertain significance (1 of 4 stars; one submission).

Conditions:
Inborn genetic diseases. Identifiers: MedGen C0950123, MeSH D030342.

gnomAD v4.1: 1 of 1,613,714 alleles (0.000062%); no homozygotes.

Submission:

Ambry Genetics
Classification: Uncertain significance for Inborn genetic diseases. Last evaluated: 2024-03-09. Review status: criteria provided, single submitter. Criteria: Ambry Variant Classification Scheme 2023. Collection method: clinical testing. Allele origin: germline.
Comment: The p.L288V variant (also known as c.862T>G), located in coding exon 4 of the ATR gene, results from a T to G substitution at nucleotide position 862. The leucine at codon 288 is replaced by valine, an amino acid with highly similar properties. This amino acid position is conserved. In addition, this alteration is predicted to be tolerated by in silico analysis. Based on the available evidence, the clinical significance of this alteration remains unclear.